The following is an entry in ClinVar:

ClinVar aggregate classification (germline): Uncertain significance (1 of 4 stars; one submission).

Allele frequency attached by ClinVar (database versions not stated): gnomAD exomes 0.00001 and 0.00004; ExAC 0.00006; gnomAD 0.00011; 1000 Genomes Project 30x 0.00016; TOPMed 0.00016; 1000 Genomes Project 0.00020; ESP Exome Variant Server 0.00024.
gnomAD v4.1: 33 of 1,614,240 alleles (0.002%); highest among the groups gnomAD compares: African/African-American, 0.043%; no homozygotes.

Submission:

Labcorp Genetics (formerly Invitae), Labcorp
Classification: Uncertain significance. Last evaluated: 2024-12-09. Review status: criteria provided, single submitter. Criteria: Invitae Variant Classification Sherloc (09022015). Collection method: clinical testing. Allele origin: germline.
Comment: This sequence change replaces glutamic acid, which is acidic and polar, with aspartic acid, which is acidic and polar, at codon 423 of the NFE2L2 protein (p.Glu423Asp). This variant is present in population databases (rs182276775, gnomAD 0.05%). This variant has not been reported in the literature in individuals affected with NFE2L2-related conditions. ClinVar contains an entry for this variant (Variation ID: 1406274). Invitae Evidence Modeling of protein sequence and biophysical properties (such as structural, functional, and spatial information, amino acid conservation, physicochemical variation, residue mobility, and thermodynamic stability) indicates that this missense variant is not expected to disrupt NFE2L2 protein function with a negative predictive value of 80%. In summary, the available evidence is currently insufficient to determine the role of this variant in disease. Therefore, it has been classified as a Variant of Uncertain Significance.

NM_006164.5(NFE2L2):c.1269G>T (p.Glu423Asp)

Gene: NFE2L2 (NFE2 like bZIP transcription factor 2; minus strand). Cytogenetic location: 2q31.2.
Variant type: single nucleotide variant.
Coding change: c.1269G>T on transcript NM_006164.5 (MANE Select); coding-DNA position 1269, G replaced by T.
Protein change: p.Glu423Asp; replaces glutamic acid 423 with aspartic acid.
Molecular consequence: missense variant.
Genome position (GRCh38, 1-based): chr2:177,231,334, C>A on the plus strand (G>T on the coding strand, the complement: NFE2L2 is on the minus strand). VCF-style: chr2-177231334-C-A. GRCh37 (hg19) VCF-style: chr2-178096062-C-A.
Other names: c.1221G>T, p.Glu407Asp (NM_001145412.3, NM_001313900.1, NM_001313901.1); c.1200G>T, p.Glu400Asp (NM_001145413.3); c.1179G>T, p.Glu393Asp (NM_001313902.2); c.1050G>T, p.Glu350Asp (NM_001313903.2); c.969G>T, p.Glu323Asp (NM_001313904.1); short protein forms E350D, E323D, E423D, E393D, E400D, E407D.
Identifiers: ClinVar variation 1406274 (VCV001406274.8), dbSNP rs182276775, ClinGen allele CA1979714.
Genomic context (GRCh38, chr2:177,231,334, plus strand): 5'-TTTTGTGAATGGGGTTTTCCGATGACCAGGACTTACAGGCAATTCTTTCTCTGGTGTGTT[C>A]TCACATTGGGCATCATGCACGTGAGTGCTCTGCCCCTGAGATGGTGACAAGGGTTGTACC-3'
Protein context (NP_006155.2, residues 413-433): QSTHVHDAQC[Glu423Asp]NTPEKELPVS